The following is an entry in ClinVar:

NM_000285.4(PEPD):c.1163G>A (p.Arg388His)

Gene: PEPD (peptidase D; minus strand). Cytogenetic location: 19q13.11.
Variant type: single nucleotide variant.
Coding change: c.1163G>A on transcript NM_000285.4 (MANE Select); coding-DNA position 1163, G replaced by A.
Protein change: p.Arg388His; replaces arginine 388 with histidine.
Molecular consequence: missense variant.
Genome position (GRCh38, 1-based): chr19:33,388,071, C>T on the plus strand (G>A on the coding strand, the complement: PEPD is on the minus strand). VCF-style: chr19-33388071-C-T. GRCh37 (hg19) VCF-style: chr19-33878977-C-T.
Other names: c.1040G>A, p.Arg347His (NM_001166056.2); c.971G>A, p.Arg324His (NM_001166057.2); short protein forms R388H, R347H, R324H.
Identifiers: ClinVar variation 328796 (VCV000328796.18), dbSNP rs2230062, ClinGen allele CA9363969.
Genomic context (GRCh38, chr19:33,388,071, plus strand): 5'-ACCATGCCTGGCTGCAGGTGCCGTGCAGTGCGCAGGCTCCGCAGGCCGGGCTCGTCGATG[C>T]GCTCCACGCCCTGTGGGGAACAGAGGTGAGGGGCCTGATGAGCAGCTCCAGGGCTCACCG-3'
Protein context (NP_000276.2, residues 378-398): DVGGYPEGVE[Arg388His]IDEPGLRSLR

ClinVar aggregate classification (germline): Benign/Likely benign. Review status: criteria provided, multiple submitters, no conflicts (2 of 4 stars). 6 submissions from 6 submitters: Benign (4); Likely benign (2). Last evaluated 2026-02-04.

Conditions:
Prolidase deficiency. Identifiers: Orphanet 742, MedGen C0268532, MONDO:0008221, OMIM 170100.

Allele frequency attached by ClinVar (database versions not stated): ESP Exome Variant Server 0.00025; gnomAD 0.00278 and 0.00432; gnomAD exomes 0.00400 and 0.01014; TOPMed 0.00417; ExAC 0.01061; 1000 Genomes Project 30x 0.01718; 1000 Genomes Project 0.01917.
gnomAD v4.1: 6,396 of 1,548,190 alleles (0.41%); highest among the groups gnomAD compares: East Asian, 10%; 217 homozygotes.

Submissions (6):

Labcorp Genetics (formerly Invitae), Labcorp
Classification: Benign. Last evaluated: 2026-02-04. Review status: criteria provided, single submitter. Criteria: Invitae Variant Classification Sherloc (09022015). Collection method: clinical testing. Allele origin: germline.

Mayo Clinic Laboratories, Mayo Clinic
Classification: Benign. Last evaluated: 2021-07-18. Review status: criteria provided, single submitter. Criteria: ACMG Guidelines, 2015. Collection method: clinical testing. Allele origin: germline. Observed: 6 variant alleles.

GeneDx
Classification: Benign. Last evaluated: 2021-05-05. Review status: criteria provided, single submitter. Criteria: GeneDx Variant Classification Process June 2021. Collection method: clinical testing. Allele origin: germline. Affected: yes.

Illumina Laboratory Services, Illumina
Classification: Benign for Prolidase deficiency. Last evaluated: 2018-01-13. Review status: criteria provided, single submitter. Criteria: ICSL Variant Classification Criteria 13 December 2019. Collection method: clinical testing. Allele origin: germline.
Comment: This variant was observed in the ICSL laboratory as part of a predisposition screen in an ostensibly healthy population. It had not been previously curated by ICSL or reported in the Human Gene Mutation Database (HGMD: prior to June 1st, 2018), and was therefore a candidate for classification through an automated scoring system. Utilizing variant allele frequency, disease prevalence and penetrance estimates, and inheritance mode, an automated score was calculated to assess if this variant is too frequent to cause the disease. Based on the score and internal cut-off values, a variant classified as benign is not then subjected to further curation. The score for this variant resulted in a classification of benign for this disease.

Center for Pediatric Genomic Medicine, Children's Mercy Hospital and Clinics
Classification: Likely benign. Last evaluated: 2017-03-29. Review status: criteria provided, single submitter. Criteria: ACMG Guidelines, 2015. Collection method: clinical testing. Allele origin: germline.

Breakthrough Genomics
Classification: Likely benign. Review status: criteria provided, single submitter. Criteria: ACMG Guidelines, 2015. Collection method: not provided. Allele origin: germline. Inheritance: Autosomal recessive inheritance. Affected: yes.